The following is an entry in ClinVar:

NM_015340.4(LARS2):c.488G>A (p.Arg163His)

Gene: LARS2 (leucyl-tRNA synthetase 2, mitochondrial; plus strand). Cytogenetic location: 3p21.31.
Variant type: single nucleotide variant.
Coding change: c.488G>A on transcript NM_015340.4 (MANE Select); coding-DNA position 488, G replaced by A.
Protein change: p.Arg163His; replaces arginine 163 with histidine.
Molecular consequence: missense variant.
Genome position (GRCh38, 1-based): chr3:45,419,701, G>A. VCF-style: chr3-45419701-G-A. GRCh37 (hg19) VCF-style: chr3-45461193-G-A.
Other names: c.488G>A, p.Arg163His (NM_001368263.1); short protein forms R163H.
Identifiers: ClinVar variation 504793 (VCV000504793.13), dbSNP rs150185028, ClinGen allele CA2349324.

ClinVar aggregate classification (germline): Uncertain significance. Review status: criteria provided, multiple submitters, no conflicts (2 of 4 stars). 5 submissions from 5 submitters: Uncertain significance (5). Last evaluated 2026-09-11.

Conditions:
Inborn genetic diseases. Identifiers: MedGen C0950123, MeSH D030342.

Allele frequency attached by ClinVar (database versions not stated): gnomAD exomes 0.00006 and 0.00012; ESP Exome Variant Server 0.00015; ExAC 0.00016; TOPMed 0.00023; gnomAD 0.00029; 1000 Genomes Project 30x 0.00031; 1000 Genomes Project 0.00040.

Submissions (5):

GeneDx
Classification: Uncertain significance. Last evaluated: 2026-09-11. Review status: criteria provided, single submitter. Criteria: GeneDx Variant Classification Process June 2021. Collection method: clinical testing. Allele origin: germline.
Comment: In silico analysis supports that this missense variant has a deleterious effect on protein structure/function; Has not been previously published as pathogenic or benign to our knowledge

Mayo Clinic Laboratories, Mayo Clinic
Classification: Uncertain significance. Last evaluated: 2025-08-15. Review status: criteria provided, single submitter. Criteria: ACMG Guidelines, 2015. Collection method: clinical testing. Allele origin: germline. Observed: 1 variant allele.
Comment: BP4_moderate

Ambry Genetics
Classification: Uncertain significance for Inborn genetic diseases. Last evaluated: 2025-08-02. Review status: criteria provided, single submitter. Criteria: Ambry Variant Classification Scheme 2023. Collection method: clinical testing. Allele origin: germline.

Labcorp Genetics (formerly Invitae), Labcorp
Classification: Uncertain significance. Last evaluated: 2023-12-21. Review status: criteria provided, single submitter. Criteria: Invitae Variant Classification Sherloc (09022015). Collection method: clinical testing. Allele origin: germline.
Comment: This sequence change replaces arginine, which is basic and polar, with histidine, which is basic and polar, at codon 163 of the LARS2 protein (p.Arg163His). This variant is present in population databases (rs150185028, gnomAD 0.08%). This variant has not been reported in the literature in individuals affected with LARS2-related conditions. ClinVar contains an entry for this variant (Variation ID: 504793). Advanced modeling of protein sequence and biophysical properties (such as structural, functional, and spatial information, amino acid conservation, physicochemical variation, residue mobility, and thermodynamic stability) performed at Invitae indicates that this missense variant is not expected to disrupt LARS2 protein function with a negative predictive value of 80%. In summary, the available evidence is currently insufficient to determine the role of this variant in disease. Therefore, it has been classified as a Variant of Uncertain Significance.

Laboratory for Molecular Medicine, Mass General Brigham Personalized Medicine
Classification: Uncertain significance. Last evaluated: 2017-05-18. Review status: criteria provided, single submitter. Criteria: LMM Criteria. Collection method: clinical testing. Allele origin: germline. Observed: 1 variant allele.
Comment: The p.Arg163His variant in LARS2 has not been previously reported in individuals with hearing loss or Perrault syndrome, but has been identified in 20/24032 Afr ican chromosomes by the Genome Aggregation Database (gnomAD; dbSNP rs150185028). Although this variant has been seen in the g eneral population, its frequency is not high enough to rule out a pathogenic rol e. Computational prediction tools and conservation analyses suggest that this va riant may not impact the protein, though this information is not predictive enou gh to rule out pathogenicity. In summary, the clinical significance of the p.Arg 163His variant is uncertain.